The following is an entry in ClinVar:

ClinVar aggregate classification (germline): Uncertain significance (1 of 4 stars; one submission).

Conditions:
Kufor-Rakeb syndrome (KRS). Also called: PARKINSON DISEASE 9, AUTOSOMAL RECESSIVE, JUVENILE-ONSET. Identifiers: Orphanet 306674, Orphanet 314632, MedGen C1847640, MONDO:0011706, OMIM 606693.
Autosomal recessive spastic paraplegia type 78. Identifiers: Orphanet 513436, MedGen C5567893, MONDO:0014975, OMIM 617225.

Allele frequency attached by ClinVar (database versions not stated): gnomAD exomes below 0.00001; ExAC 0.00001.
gnomAD v4.1: 10 of 1,614,046 alleles (0.00062%); highest among the groups gnomAD compares: Non-Finnish European, 0.00085%; no homozygotes.

Submission:

Labcorp Genetics (formerly Invitae), Labcorp
Classification: Uncertain significance for Kufor-Rakeb syndrome; Autosomal recessive spastic paraplegia type 78. Last evaluated: 2021-08-24. Review status: criteria provided, single submitter. Criteria: Invitae Variant Classification Sherloc (09022015). Collection method: clinical testing. Allele origin: germline.
Comment: This sequence change replaces leucine with methionine at codon 407 of the ATP13A2 protein (p.Leu407Met). The leucine residue is highly conserved and there is a small physicochemical difference between leucine and methionine. This variant is present in population databases (rs773702054, ExAC 0.002%). This variant has not been reported in the literature in individuals affected with ATP13A2-related conditions. Advanced modeling of protein sequence and biophysical properties (such as structural, functional, and spatial information, amino acid conservation, physicochemical variation, residue mobility, and thermodynamic stability) performed at Invitae indicates that this missense variant is expected to disrupt ATP13A2 protein function. In summary, the available evidence is currently insufficient to determine the role of this variant in disease. Therefore, it has been classified as a Variant of Uncertain Significance.

NM_022089.4(ATP13A2):c.1219C>A (p.Leu407Met)

Gene: ATP13A2 (ATPase cation transporting 13A2; minus strand). Cytogenetic location: 1p36.13.
Variant type: single nucleotide variant.
Coding change: c.1219C>A on transcript NM_022089.4 (MANE Select); coding-DNA position 1219, C replaced by A.
Protein change: p.Leu407Met; replaces leucine 407 with methionine.
Molecular consequence: missense variant.
Genome position (GRCh38, 1-based): chr1:16,996,473, G>T on the plus strand (C>A on the coding strand, the complement: ATP13A2 is on the minus strand). VCF-style: chr1-16996473-G-T. GRCh37 (hg19) VCF-style: chr1-17322968-G-T.
Other names: c.1204C>A, p.Leu402Met (NM_001141973.3, NM_001141974.3); short protein forms L407M, L402M.
Identifiers: ClinVar variation 1464672 (VCV001464672.6), dbSNP rs773702054, ClinGen allele CA637309.